The following is an entry in ClinVar:

ClinVar aggregate classification (germline): Benign/Likely benign. Review status: criteria provided, multiple submitters, no conflicts (2 of 4 stars). 10 submissions from 10 submitters: Benign (3); Likely benign (5). 2 of the submissions do not count toward it. Last evaluated 2026-09-01.

Conditions:
FLNB-Related Spectrum Disorders.

Allele frequency attached by ClinVar (database versions not stated): 1000 Genomes Project 0.00040; 1000 Genomes Project 30x 0.00047; gnomAD exomes 0.00099 and 0.00149; ExAC 0.00106; ESP Exome Variant Server 0.00131; TOPMed 0.00135; gnomAD 0.00161.
gnomAD v4.1: 1,793 of 1,613,982 alleles (0.11%); highest among the groups gnomAD compares: Middle Eastern, 2.6%; 10 homozygotes.

Submissions (10):

CeGaT Center for Human Genetics Tuebingen
Classification: Likely benign. Last evaluated: 2026-09-01. Review status: criteria provided, single submitter. Criteria: CeGaT Center For Human Genetics Tuebingen Variant Classification Criteria Version 2. Collection method: clinical testing. Allele origin: germline. Affected: yes. Observed: 7 variant alleles.
Comment: FLNB: BP4, BP7

Labcorp Genetics (formerly Invitae), Labcorp
Classification: Likely benign. Last evaluated: 2026-01-26. Review status: criteria provided, single submitter. Criteria: Invitae Variant Classification Sherloc (09022015). Collection method: clinical testing. Allele origin: germline.

Blueprint Genetics
Classification: Likely benign. Last evaluated: 2024-11-20. Review status: criteria provided, single submitter. Criteria: ACMG Guidelines, 2015. Collection method: clinical testing. Allele origin: germline.

ARUP Laboratories, Molecular Genetics and Genomics, ARUP Laboratories
Classification: Benign. Last evaluated: 2019-02-15. Review status: criteria provided, single submitter. Criteria: ARUP Molecular Germline Variant Investigation Process. Collection method: clinical testing. Allele origin: germline.

GeneDx
Classification: Benign. Last evaluated: 2018-08-23. Review status: criteria provided, single submitter. Criteria: GeneDx Variant Classification Process June 2021. Collection method: clinical testing. Allele origin: germline. Affected: yes.

Illumina Laboratory Services, Illumina
Classification: Likely benign for FLNB-Related Spectrum Disorders. Last evaluated: 2018-01-13. Review status: criteria provided, single submitter. Criteria: ICSL Variant Classification Criteria 13 December 2019. Collection method: clinical testing. Allele origin: germline.
Comment: This variant was observed in the ICSL laboratory as part of a predisposition screen in an ostensibly healthy population. It had not been previously curated by ICSL or reported in the Human Gene Mutation Database (HGMD: prior to June 1st, 2018), and was therefore a candidate for classification through an automated scoring system. Utilizing variant allele frequency, disease prevalence and penetrance estimates, and inheritance mode, an automated score was calculated to assess if this variant is too frequent to cause the disease. Based on the score and internal cut-off values, a variant classified as likely benign is not then subjected to further curation. The score for this variant resulted in a classification of likely benign for this disease.

Eurofins Ntd Llc (ga)
Classification: Benign. Last evaluated: 2017-01-18. Review status: criteria provided, single submitter. Criteria: EGL Classification Definitions 2015. Collection method: clinical testing. Allele origin: germline. Observed: 4 variant alleles, 4 heterozygotes.

Breakthrough Genomics
Classification: Likely benign. Review status: criteria provided, single submitter. Criteria: ACMG Guidelines, 2015. Collection method: not provided. Allele origin: germline. Inheritance: Autosomal recessive inheritance. Affected: yes.

Clinical Genetics DNA and cytogenetics Diagnostics Lab, Erasmus MC, Erasmus Medical Center
Classification: Benign. Review status: no assertion criteria provided. Collection method: clinical testing. Allele origin: germline. Affected: yes. Study: VKGL Data-share Consensus. Not counted in ClinVar's aggregate classification.

Genome Diagnostics Laboratory, Amsterdam University Medical Center
Classification: Likely benign. Review status: no assertion criteria provided. Collection method: clinical testing. Allele origin: germline. Affected: yes. Study: VKGL Data-share Consensus. Not counted in ClinVar's aggregate classification.

NM_001457.4(FLNB):c.6642C>T (p.Phe2214=)

Gene: FLNB (filamin B; plus strand). Cytogenetic location: 3p14.3.
Variant type: single nucleotide variant.
Coding change: c.6642C>T on transcript NM_001457.4 (MANE Select); coding-DNA position 6642, C replaced by T.
Protein change: p.Phe2214=; no amino-acid change (phenylalanine 2214 retained).
Molecular consequence: synonymous variant.
Genome position (GRCh38, 1-based): chr3:58,154,798, C>T. VCF-style: chr3-58154798-C-T. GRCh37 (hg19) VCF-style: chr3-58140525-C-T.
Other names: c.6735C>T, p.Phe2245= (NM_001164317.2); c.6609C>T, p.Phe2203= (NM_001164318.2); c.6570C>T, p.Phe2190= (NM_001164319.2).
Identifiers: ClinVar variation 288202 (VCV000288202.52), dbSNP rs140786324, ClinGen allele CA2469456.